The following is an entry in ClinVar:

NM_002485.5(NBN):c.1520A>T (p.His507Leu)

Gene: NBN (nibrin; minus strand). Cytogenetic location: 8q21.3.
Variant type: single nucleotide variant.
Coding change: c.1520A>T on transcript NM_002485.5 (MANE Select); coding-DNA position 1520, A replaced by T.
Protein change: p.His507Leu; replaces histidine 507 with leucine.
Molecular consequence: missense variant.
Genome position (GRCh38, 1-based): chr8:89,953,569, T>A on the plus strand (A>T on the coding strand, the complement: NBN is on the minus strand). VCF-style: chr8-89953569-T-A. GRCh37 (hg19) VCF-style: chr8-90965797-T-A.
Other names: c.1274A>T, p.His425Leu (NM_001024688.3); short protein forms H507L, H425L.
Identifiers: ClinVar variation 3403071 (VCV003403071.1).

ClinVar aggregate classification (germline): Uncertain significance (1 of 4 stars; one submission).

Conditions:
Hereditary cancer-predisposing syndrome. Also called: Hereditary Cancer Syndrome; Tumor predisposition; Hereditary neoplastic syndrome; Neoplastic Syndromes, Hereditary. Identifiers: Orphanet 140162, MedGen C0027672, MeSH D009386, MONDO:0015356.

Submission:

Ambry Genetics
Classification: Uncertain significance for Hereditary cancer-predisposing syndrome. Last evaluated: 2024-10-29. Review status: criteria provided, single submitter. Criteria: Ambry Variant Classification Scheme 2023. Collection method: clinical testing. Allele origin: germline.
Comment: The p.H507L variant (also known as c.1520A>T), located in coding exon 11 of the NBN gene, results from an A to T substitution at nucleotide position 1520. The histidine at codon 507 is replaced by leucine, an amino acid with similar properties. This amino acid position is conserved. In addition, this alteration is predicted to be tolerated by in silico analysis. Based on the available evidence, the clinical significance of this variant remains unclear.